The following is an entry in ClinVar:

ClinVar aggregate classification (germline): Uncertain significance (1 of 4 stars; one submission).

Conditions:
Oculodentodigital dysplasia, autosomal recessive. Also called: OCULODENTOOSSEOUS DYSPLASIA, AUTOSOMAL RECESSIVE; ODDD, AUTOSOMAL RECESSIVE; ODOD, AUTOSOMAL RECESSIVE. Identifiers: Orphanet 2710, MedGen C2749477, MONDO:0009768, OMIM 257850.

Submission:

Labcorp Genetics (formerly Invitae), Labcorp
Classification: Uncertain significance for Oculodentodigital dysplasia, autosomal recessive. Last evaluated: 2022-06-20. Review status: criteria provided, single submitter. Criteria: Invitae Variant Classification Sherloc (09022015). Collection method: clinical testing. Allele origin: germline.
Comment: This variant has not been reported in the literature in individuals affected with GJA1-related conditions. In summary, the available evidence is currently insufficient to determine the role of this variant in disease. Therefore, it has been classified as a Variant of Uncertain Significance. Experimental studies and prediction algorithms are not available or were not evaluated, and the functional significance of this variant is currently unknown. A gross deletion of the genomic region encompassing the full coding sequence of the GJA1 gene has been identified. The current clinical and genetic evidence is not sufficient to establish whether loss-of-function variants in GJA1 cause disease. The boundaries of this event are unknown as they extend beyond the assayed region for this gene and therefore may encompass additional genes.

NC_000006.11:g.(?_121401917)_(121769142_?)del

Genes: GJA1 (gap junction protein alpha 1; plus strand), TBC1D32 (TBC1 domain family member 32; minus strand). Cytogenetic location: 6q22.31.
Variant type: Deletion.
Identifiers: ClinVar variation 1441871 (VCV001441871.5).